The following is an entry in ClinVar:

NM_001002029.4(C4B):c.3893dup (p.Phe1299fs)

Gene: C4B (complement C4B (Chido/Rodgers blood group); plus strand). Cytogenetic location: 6p21.33.
Variant type: Duplication.
Coding change: c.3893dup on transcript NM_001002029.4 (MANE Select); coding-DNA position 3893, one base duplicated (G; older notation c.3893dupG).
Protein change: p.Phe1299fs; shifts the reading frame from phenylalanine 1299.
Molecular consequence: frameshift variant.
Genome position (GRCh38, 1-based): chr6:32,029,782, G duplicated; the last of 5 consecutive G bases (chr6:32,029,778-32,029,782); duplicating any one gives the same sequence. VCF-style (leftmost placement, unchanged base first): chr6-32029777-A-AG. GRCh37 (hg19) VCF-style: chr6-31997554-A-AG.
Other names: short protein forms F1299fs.
Identifiers: ClinVar variation 4539488 (VCV004539488.1).

ClinVar aggregate classification (germline): Likely pathogenic (1 of 4 stars; one submission).

Submission:

Center for Genomic Medicine, Rigshospitalet, Copenhagen University Hospital
Classification: Likely pathogenic. Last evaluated: 2025-12-29. Review status: criteria provided, single submitter. Criteria: ACMG Guidelines, 2015. Collection method: clinical testing. Allele origin: germline.
Comment: Classification criteria: PVS1, PM2_Supporting

Literature cited by the submitters: PubMed 36198931.